The following is an entry in ClinVar:

ClinVar aggregate classification (germline): Uncertain significance. Review status: criteria provided, multiple submitters, no conflicts (2 of 4 stars). 2 submissions from 2 submitters: Uncertain significance (2). Last evaluated 2024-08-12.

Conditions:
Epileptic encephalopathy. Identifiers: MedGen C0543888, HP:0200134.

Allele frequency attached by ClinVar (database versions not stated): ExAC 0.00001; gnomAD exomes 0.00001 and 0.00002; gnomAD 0.00005 and 0.00006; ESP Exome Variant Server 0.00008; TOPMed 0.00012.
gnomAD v4.1: 14 of 1,610,248 alleles (0.00087%); highest among the groups gnomAD compares: Admixed American, 0.017%; no homozygotes.

Submissions (2):

Labcorp Genetics (formerly Invitae), Labcorp
Classification: Uncertain significance for Epileptic encephalopathy. Last evaluated: 2024-08-12. Review status: criteria provided, single submitter. Criteria: Invitae Variant Classification Sherloc (09022015). Collection method: clinical testing. Allele origin: germline.
Comment: This sequence change replaces isoleucine, which is neutral and non-polar, with valine, which is neutral and non-polar, at codon 2044 of the FASN protein (p.Ile2044Val). This variant is present in population databases (rs375139880, gnomAD 0.008%). This variant has not been reported in the literature in individuals affected with FASN-related conditions. ClinVar contains an entry for this variant (Variation ID: 849266). An algorithm developed to predict the effect of missense changes on protein structure and function outputs the following: PolyPhen-2: "Benign". The valine amino acid residue is found in multiple mammalian species, which suggests that this missense change does not adversely affect protein function. In summary, the available evidence is currently insufficient to determine the role of this variant in disease. Therefore, it has been classified as a Variant of Uncertain Significance.

Ambry Genetics
Classification: Uncertain significance. Last evaluated: 2023-12-12. Review status: criteria provided, single submitter. Criteria: Ambry Variant Classification Scheme 2023. Collection method: clinical testing. Allele origin: germline.

NM_004104.5(FASN):c.6130A>G (p.Ile2044Val)

Gene: FASN (fatty acid synthase; minus strand). Cytogenetic location: 17q25.3.
Variant type: single nucleotide variant.
Coding change: c.6130A>G on transcript NM_004104.5 (MANE Select); coding-DNA position 6130, A replaced by G.
Protein change: p.Ile2044Val; replaces isoleucine 2044 with valine.
Molecular consequence: missense variant.
Genome position (GRCh38, 1-based): chr17:82,082,042, T>C on the plus strand (A>G on the coding strand, the complement: FASN is on the minus strand). VCF-style: chr17-82082042-T-C. GRCh37 (hg19) VCF-style: chr17-80039918-T-C.
Other names: short protein forms I2044V.
Identifiers: ClinVar variation 849266 (VCV000849266.10), dbSNP rs375139880, ClinGen allele CA8851425.
Genomic context (GRCh38, chr17:82,082,042, plus strand): 5'-GGGTCGAGGGGAGAGGGTGGGGCCCACCTGGGAGGCCTTCGTGCCGGCGTTTCTCACAGA[T>C]ACGCTCCATGGCGGAATTGGCAAAGCCGTAGTTGCTCTGTCCCGCATTGCCACGCCCGCA-3'
Protein context (NP_004095.4, residues 2034-2054): YGFANSAMER[Ile2044Val]CEKRRHEGLP